The following is an entry in ClinVar:

ClinVar aggregate classification (germline): Uncertain significance (1 of 4 stars; one submission).

Allele frequency attached by ClinVar (database versions not stated): ExAC 0.00002; TOPMed 0.00005.
gnomAD v4.1: 23 of 1,605,776 alleles (0.0014%); highest among the groups gnomAD compares: Middle Eastern, 0.05%; no homozygotes.

Submission:

Labcorp Genetics (formerly Invitae), Labcorp
Classification: Uncertain significance. Last evaluated: 2022-03-04. Review status: criteria provided, single submitter. Criteria: Invitae Variant Classification Sherloc (09022015). Collection method: clinical testing. Allele origin: germline.
Comment: This sequence change replaces aspartic acid, which is acidic and polar, with glutamic acid, which is acidic and polar, at codon 85 of the BMP7 protein (p.Asp85Glu). This variant is present in population databases (rs777610187, gnomAD 0.02%). This variant has not been reported in the literature in individuals affected with BMP7-related conditions. Algorithms developed to predict the effect of missense changes on protein structure and function are either unavailable or do not agree on the potential impact of this missense change (SIFT: "Deleterious"; PolyPhen-2: "Benign"; Align-GVGD: "Class C0"). In summary, the available evidence is currently insufficient to determine the role of this variant in disease. Therefore, it has been classified as a Variant of Uncertain Significance.

NM_001719.3(BMP7):c.255C>A (p.Asp85Glu)

Gene: BMP7 (bone morphogenetic protein 7; minus strand). Cytogenetic location: 20q13.31.
Variant type: single nucleotide variant.
Coding change: c.255C>A on transcript NM_001719.3 (MANE Select); coding-DNA position 255, C replaced by A.
Protein change: p.Asp85Glu; replaces aspartic acid 85 with glutamic acid.
Molecular consequence: missense variant.
Genome position (GRCh38, 1-based): chr20:57,265,868, G>T on the plus strand (C>A on the coding strand, the complement: BMP7 is on the minus strand). VCF-style: chr20-57265868-G-T. GRCh37 (hg19) VCF-style: chr20-55840924-G-T.
Other names: short protein forms D85E.
Identifiers: ClinVar variation 2166989 (VCV002166989.4), dbSNP rs777610187, ClinGen allele CA9919873.
Genomic context (GRCh38, chr20:57,265,868, plus strand): 5'-GTAGGAGAAGCCCTGGCCGCCGGGCCCGCCGCCCTCCTCCACCGCCATGGCGTTGTACAG[G>T]TCCAGCATGAACATGGGTGCCGAGTTGTGCTTGCCCTGGAGGTGCGGGCGCGGGCGGTGG-3'
Protein context (NP_001710.1, residues 75-95): KHNSAPMFML[Asp85Glu]LYNAMAVEEG